The following is an entry in ClinVar:

NM_001605.3(AARS1):c.95T>C (p.Ile32Thr)

Gene: AARS1 (alanyl-tRNA synthetase 1; minus strand). Cytogenetic location: 16q22.1.
Variant type: single nucleotide variant.
Coding change: c.95T>C on transcript NM_001605.3 (MANE Select); coding-DNA position 95, T replaced by C.
Protein change: p.Ile32Thr; replaces isoleucine 32 with threonine.
Molecular consequence: missense variant.
Genome position (GRCh38, 1-based): chr16:70,282,669, A>G on the plus strand (T>C on the coding strand, the complement: AARS1 is on the minus strand). VCF-style: chr16-70282669-A-G. GRCh37 (hg19) VCF-style: chr16-70316572-A-G.
Other names: short protein forms I32T.
Identifiers: ClinVar variation 246432 (VCV000246432.11), dbSNP rs751721557, ClinGen allele CA8141227.

ClinVar aggregate classification (germline): Conflicting classifications of pathogenicity. Review status: criteria provided, conflicting classifications (1 of 4 stars). 2 submissions from 2 submitters: Uncertain significance (1); Likely benign (1). Last evaluated 2025-12-01.

Conditions:
Charcot-Marie-Tooth disease type 2. Also called: Charcot-Marie-Tooth type 2. Identifiers: Orphanet 64746, MedGen C0270914, MONDO:0018993.

Allele frequency attached by ClinVar (database versions not stated): gnomAD exomes 0.00003 and 0.00006; gnomAD 0.00002; TOPMed 0.00002; ExAC 0.00002.
gnomAD v4.1: 44 of 1,614,094 alleles (0.0027%); highest among the groups gnomAD compares: Non-Finnish European, 0.00034%; no homozygotes.

Submissions (2):

Labcorp Genetics (formerly Invitae), Labcorp
Classification: Likely benign for Charcot-Marie-Tooth disease type 2. Last evaluated: 2025-12-01. Review status: criteria provided, single submitter. Criteria: Invitae Variant Classification Sherloc (09022015). Collection method: clinical testing. Allele origin: germline.

GeneDx
Classification: Uncertain significance. Last evaluated: 2019-10-31. Review status: criteria provided, single submitter. Criteria: GeneDx Variant Classification Process June 2021. Collection method: clinical testing. Allele origin: germline. Affected: yes.
Comment: In silico analysis, which includes protein predictors and evolutionary conservation, supports a deleterious effect; Has not been previously published as pathogenic or benign to our knowledge